The following is an entry in ClinVar:

ClinVar aggregate classification (germline): Uncertain significance. Review status: criteria provided, multiple submitters, no conflicts (2 of 4 stars). 3 submissions from 3 submitters: Uncertain significance (3). Last evaluated 2025-04-10.

Conditions:
POLD1-related polyposis and colorectal cancer syndrome (CRCS10). Also called: Colorectal cancer 10; COLORECTAL CANCER, SUSCEPTIBILITY TO, ON CHROMOSOME 19q; Colorectal cancer, susceptibility to, 10. Identifiers: Orphanet 220460, MedGen C2675481, MONDO:0012953, OMIM 612591.
Hereditary cancer-predisposing syndrome. Also called: Neoplastic Syndromes, Hereditary; Tumor predisposition; Hereditary Cancer Syndrome; Hereditary neoplastic syndrome. Identifiers: Orphanet 140162, MedGen C0027672, MeSH D009386, MONDO:0015356.

Allele frequency attached by ClinVar (database versions not stated): gnomAD exomes below 0.00001.
gnomAD v4.1: 1 of 1,558,002 alleles (0.000064%); highest among the groups gnomAD compares: Non-Finnish European, 0.000087%; no homozygotes.

Submissions (3):

Ambry Genetics
Classification: Uncertain significance for Hereditary cancer-predisposing syndrome. Last evaluated: 2025-04-10. Review status: criteria provided, single submitter. Criteria: Ambry Variant Classification Scheme 2023. Collection method: clinical testing. Allele origin: germline.
Comment: The p.Y1037C variant (also known as c.3110A>G), located in coding exon 24 of the POLD1 gene, results from an A to G substitution at nucleotide position 3110. The tyrosine at codon 1037 is replaced by cysteine, an amino acid with highly dissimilar properties. This amino acid position is conserved. In addition, the in silico prediction for this alteration is inconclusive. Since supporting evidence is limited at this time, the clinical significance of this alteration remains unclear.

MGZ Medical Genetics Center
Classification: Uncertain significance for POLD1-related polyposis and colorectal cancer syndrome. Last evaluated: 2021-08-17. Review status: criteria provided, single submitter. Criteria: ACMG Guidelines, 2015. Collection method: clinical testing. Allele origin: germline. Affected: yes. Observed: 1 variant allele.
Comment: ACMG criteria applied: PM2_SUP, BP4

Labcorp Genetics (formerly Invitae), Labcorp
Classification: Uncertain significance for POLD1-related polyposis and colorectal cancer syndrome. Last evaluated: 2021-08-02. Review status: criteria provided, single submitter. Criteria: Invitae Variant Classification Sherloc (09022015). Collection method: clinical testing. Allele origin: germline.
Comment: This variant is not present in population databases (ExAC no frequency). This sequence change replaces tyrosine with cysteine at codon 1037 of the POLD1 protein (p.Tyr1037Cys). The tyrosine residue is moderately conserved and there is a large physicochemical difference between tyrosine and cysteine. In summary, the available evidence is currently insufficient to determine the role of this variant in disease. Therefore, it has been classified as a Variant of Uncertain Significance. Algorithms developed to predict the effect of missense changes on protein structure and function are either unavailable or do not agree on the potential impact of this missense change (SIFT: "Deleterious"; PolyPhen-2: "Probably Damaging"; Align-GVGD: "Class C0"). This variant has not been reported in the literature in individuals with POLD1-related conditions.

NM_002691.4(POLD1):c.3110A>G (p.Tyr1037Cys)

Gene: POLD1 (DNA polymerase delta 1, catalytic subunit; plus strand). Cytogenetic location: 19q13.33.
Variant type: single nucleotide variant.
Coding change: c.3110A>G on transcript NM_002691.4 (MANE Select); coding-DNA position 3110, A replaced by G.
Protein change: p.Tyr1037Cys; replaces tyrosine 1037 with cysteine.
Molecular consequence: missense variant. On other transcripts: non-coding transcript variant (1).
Genome position (GRCh38, 1-based): chr19:50,417,087, A>G. VCF-style: chr19-50417087-A-G. GRCh37 (hg19) VCF-style: chr19-50920344-A-G.
Other names: c.3110A>G (NM_002691.2); c.3110A>G, p.Tyr1037Cys (NM_001256849.1); c.3188A>G, p.Tyr1063Cys (NM_001308632.1); short protein forms Y1063C, Y1037C.
Identifiers: ClinVar variation 1422661 (VCV001422661.12), dbSNP rs2122504166, ClinGen allele CA406987167.